The following is an entry in ClinVar:

NM_006393.3(NEBL):c.325A>G (p.Ile109Val)

Gene: NEBL (nebulette; minus strand). Cytogenetic location: 10p12.31.
Variant type: single nucleotide variant.
Coding change: c.325A>G on transcript NM_006393.3 (MANE Select); coding-DNA position 325, A replaced by G.
Protein change: p.Ile109Val; replaces isoleucine 109 with valine.
Molecular consequence: missense variant. On other transcripts: intron variant (9).
Genome position (GRCh38, 1-based): chr10:20,888,141, T>C on the plus strand (A>G on the coding strand, the complement: NEBL is on the minus strand). VCF-style: chr10-20888141-T-C. GRCh37 (hg19) VCF-style: chr10-21177070-T-C.
Other names: c.249+73531A>G (NM_001377326.1, NM_001377327.1, NM_001377328.1); c.357+73531A>G (NM_213569.2, NM_001173484.2, NM_001377322.1); c.300+73531A>G (NM_001377324.1); c.291+73531A>G (NM_001377325.1); c.309+73531A>G (NM_001377323.1); short protein forms I109V.
Identifiers: ClinVar variation 1005740 (VCV001005740.9), dbSNP rs750081149, ClinGen allele CA5433285.

ClinVar aggregate classification (germline): Uncertain significance (1 of 4 stars; one submission).

Conditions:
Primary dilated cardiomyopathy (DCM). Also called: Dilated Cardiomyopathy. Identifiers: Orphanet 217604, MedGen C0007193, MeSH D002311, MONDO:0005021, HP:0001644. Inheritance: Various modes of inheritance.

Allele frequency attached by ClinVar (database versions not stated): gnomAD exomes 0.00001; ExAC 0.00002.
gnomAD v4.1: 7 of 1,613,986 alleles (0.00043%); highest among the groups gnomAD compares: Middle Eastern, 0.017%; no homozygotes.

Submission:

Labcorp Genetics (formerly Invitae), Labcorp
Classification: Uncertain significance for Primary dilated cardiomyopathy. Last evaluated: 2016-03-27. Review status: criteria provided, single submitter. Criteria: Invitae Variant Classification Sherloc (09022015). Collection method: clinical testing. Allele origin: germline.
Comment: This sequence change replaces isoleucine with valine at codon 109 of the NEBL protein (p.Ile109Val). The isoleucine residue is moderately conserved and there is a small physicochemical difference between isoleucine and valine. This variant is present in population databases (rs750081149, ExAC 0.01%) but has not been reported in the literature in individuals with a NEBL-related disease. Algorithms developed to predict the effect of missense changes on protein structure and function do not agree on the potential impact of this missense change (SIFT: "Tolerated"; PolyPhen-2: "Possibly Damaging"; Align-GVGD: "Class C0"). In summary, this variant is a rare missense change with uncertain impact on protein function. There is no indication that it causes disease, but the available evidence is currently insufficient to prove that conclusively. Therefore, it has been classified as a Variant of Uncertain Significance.